The following is an entry in ClinVar:

NM_001367549.1(ATP13A3):c.279T>C (p.Thr93=)

Gene: ATP13A3 (ATPase 13A3; minus strand). Cytogenetic location: 3q29.
Variant type: single nucleotide variant.
Coding change: c.279T>C on transcript NM_001367549.1 (MANE Select); coding-DNA position 279, T replaced by C.
Protein change: p.Thr93=; no amino-acid change (threonine 93 retained).
Molecular consequence: synonymous variant. On other transcripts: non-coding transcript variant (2).
Genome position (GRCh38, 1-based): chr3:194,459,918, A>G on the plus strand (T>C on the coding strand, the complement: ATP13A3 is on the minus strand). VCF-style: chr3-194459918-A-G. GRCh37 (hg19) VCF-style: chr3-194180647-A-G.
Other names: c.279T>C, p.Thr93= (NM_001374836.1, NM_024524.4); c.279T>C (NM_024524.3).
Identifiers: ClinVar variation 1638526 (VCV001638526.38), dbSNP rs192437984, ClinGen allele CA2762305.

ClinVar aggregate classification (germline): Benign/Likely benign. Review status: criteria provided, multiple submitters, no conflicts (2 of 4 stars). 4 submissions from 4 submitters: Benign (2); Likely benign (1). 1 of the submissions does not count toward it. Last evaluated 2026-01-19.

Conditions:
ATP13A3-related disorder. Also called: ATP13A3-related condition.

Allele frequency attached by ClinVar (database versions not stated): 1000 Genomes Project 0.00539; 1000 Genomes Project 30x 0.00562; gnomAD 0.00668 and 0.00675; TOPMed 0.00674; ExAC 0.00726; ESP Exome Variant Server 0.00728; gnomAD exomes 0.00755 and 0.00822.
gnomAD v4.1: 13,111 of 1,613,398 alleles (0.81%); highest among the groups gnomAD compares: Middle Eastern, 1.8%; 68 homozygotes.

Submissions (4):

Labcorp Genetics (formerly Invitae), Labcorp
Classification: Benign. Last evaluated: 2026-01-19. Review status: criteria provided, single submitter. Criteria: Invitae Variant Classification Sherloc (09022015). Collection method: clinical testing. Allele origin: germline.

CeGaT Center for Human Genetics Tuebingen
Classification: Likely benign. Last evaluated: 2025-08-01. Review status: criteria provided, single submitter. Criteria: CeGaT Center For Human Genetics Tuebingen Variant Classification Criteria Version 2. Collection method: clinical testing. Allele origin: germline. Affected: yes. Observed: 2 variant alleles.
Comment: ATP13A3: BP4, BP7, BS2

Breakthrough Genomics
Classification: Benign. Review status: criteria provided, single submitter. Criteria: ACMG Guidelines, 2015. Collection method: not provided. Allele origin: germline. Inheritance: Autosomal recessive inheritance. Affected: yes.

PreventionGenetics, part of Exact Sciences
Classification: Benign for ATP13A3-related condition. Last evaluated: 2019-07-25. Review status: no assertion criteria provided. Collection method: clinical testing. Allele origin: germline. Not counted in ClinVar's aggregate classification.
Comment: This variant is classified as benign based on ACMG/AMP sequence variant interpretation guidelines (Richards et al. 2015 PMID: 25741868, with internal and published modifications).